The following is an entry in ClinVar:

ClinVar aggregate classification (germline): Uncertain significance. Review status: criteria provided, multiple submitters, no conflicts (2 of 4 stars). 2 submissions from 2 submitters: Uncertain significance (2). Last evaluated 2025-12-10.

Allele frequency attached by ClinVar (database versions not stated): gnomAD exomes below 0.00001; gnomAD 0.00002; TOPMed 0.00002.
gnomAD v4.1: 8 of 1,603,916 alleles (0.0005%); highest among the groups gnomAD compares: East Asian, 0.0022%; no homozygotes.

Submissions (2):

Labcorp Genetics (formerly Invitae), Labcorp
Classification: Uncertain significance. Last evaluated: 2025-12-10. Review status: criteria provided, single submitter. Criteria: Invitae Variant Classification Sherloc (09022015). Collection method: clinical testing. Allele origin: germline.
Comment: This sequence change replaces arginine, which is basic and polar, with glutamine, which is neutral and polar, at codon 643 of the CDK13 protein (p.Arg643Gln). This variant is present in population databases (no rsID available, gnomAD 0.005%). This missense change has been observed in individual(s) with CDK13-related conditions (PMID: 33004838). ClinVar contains an entry for this variant (Variation ID: 810086). Invitae Evidence Modeling of protein sequence and biophysical properties (such as structural, functional, and spatial information, amino acid conservation, physicochemical variation, residue mobility, and thermodynamic stability) indicates that this missense variant is expected to disrupt CDK13 protein function with a positive predictive value of 95%. In summary, the available evidence is currently insufficient to determine the role of this variant in disease. Therefore, it has been classified as a Variant of Uncertain Significance.

CeGaT Center for Human Genetics Tuebingen
Classification: Uncertain significance. Last evaluated: 2019-07-01. Review status: criteria provided, single submitter. Criteria: CeGaT Center For Human Genetics Tuebingen Variant Classification Criteria Version 2. Collection method: clinical testing. Allele origin: germline. Affected: yes. Observed: 1 variant allele.

Literature cited by the submitters: PubMed 33004838 (cited by Labcorp Genetics (formerly Invitae), Labcorp).

NM_003718.5(CDK13):c.1928G>A (p.Arg643Gln)

Gene: CDK13 (cyclin dependent kinase 13; plus strand). Cytogenetic location: 7p14.1.
Variant type: single nucleotide variant.
Coding change: c.1928G>A on transcript NM_003718.5 (MANE Select); coding-DNA position 1928, G replaced by A.
Protein change: p.Arg643Gln; replaces arginine 643 with glutamine.
Molecular consequence: missense variant.
Genome position (GRCh38, 1-based): chr7:39,997,550, G>A. VCF-style: chr7-39997550-G-A. GRCh37 (hg19) VCF-style: chr7-40037149-G-A.
Other names: c.1928G>A, p.Arg643Gln (NM_031267.4); short protein forms R643Q.
Identifiers: ClinVar variation 810086 (VCV000810086.44), dbSNP rs1273107384, ClinGen allele CA367287176.